The following is an entry in ClinVar:

ClinVar aggregate classification (germline): Benign (0 of 4 stars; one submission).

Conditions:
BSN-related disorder. Also called: BSN-related condition.

Allele frequency attached by ClinVar (database versions not stated): 1000 Genomes Project 0.19529; 1000 Genomes Project 30x 0.19878; TOPMed 0.24930; ExAC 0.26464; gnomAD 0.26957; ESP Exome Variant Server 0.27841; gnomAD exomes 0.28404.
gnomAD v4.1: 452,688 of 1,601,082 alleles (28%); highest among the groups gnomAD compares: Middle Eastern, 30%; 68,142 homozygotes.

Submission:

PreventionGenetics, part of Exact Sciences
Classification: Benign for BSN-related condition. Last evaluated: 2019-10-18. Review status: no assertion criteria provided. Collection method: clinical testing. Allele origin: germline.
Comment: This variant is classified as benign based on ACMG/AMP sequence variant interpretation guidelines (Richards et al. 2015 PMID: 25741868, with internal and published modifications).

NM_003458.4(BSN):c.11736G>A (p.Thr3912=)

Gene: BSN (bassoon presynaptic cytomatrix protein; plus strand). Cytogenetic location: 3p21.31.
Variant type: single nucleotide variant.
Coding change: c.11736G>A on transcript NM_003458.4 (MANE Select); coding-DNA position 11736, G replaced by A.
Protein change: p.Thr3912=; no amino-acid change (threonine 3912 retained).
Molecular consequence: synonymous variant.
Genome position (GRCh38, 1-based): chr3:49,664,550, G>A. VCF-style: chr3-49664550-G-A. GRCh37 (hg19) VCF-style: chr3-49701983-G-A.
Identifiers: ClinVar variation 3055985 (VCV003055985.2), dbSNP rs9858542, ClinGen allele CA2401593.